The following is an entry in ClinVar:

ClinVar aggregate classification (germline): Likely benign (1 of 4 stars; one submission).

Conditions:
Nephronophthisis-like nephropathy 1 (NPHPL1). Identifiers: Orphanet 655, MedGen C3150419, MONDO:0013163, OMIM 613159.

Allele frequency attached by ClinVar (database versions not stated): 1000 Genomes Project 0.00080; TOPMed 0.00104; 1000 Genomes Project 30x 0.00141.

Submission:

Illumina Laboratory Services, Illumina
Classification: Likely benign for Nephronophthisis-like nephropathy 1. Last evaluated: 2018-01-13. Review status: criteria provided, single submitter. Criteria: ICSL Variant Classification Criteria 13 December 2019. Collection method: clinical testing. Allele origin: germline.
Comment: This variant was observed in the ICSL laboratory as part of a predisposition screen in an ostensibly healthy population. It had not been previously curated by ICSL or reported in the Human Gene Mutation Database (HGMD: prior to June 1st, 2018), and was therefore a candidate for classification through an automated scoring system. Utilizing variant allele frequency, disease prevalence and penetrance estimates, and inheritance mode, an automated score was calculated to assess if this variant is too frequent to cause the disease. Based on the score and internal cut-off values, a variant classified as likely benign is not then subjected to further curation. The score for this variant resulted in a classification of likely benign for this disease.

NM_022098.4(XPNPEP3):c.*6178C>G

Gene: XPNPEP3 (X-prolyl aminopeptidase 3; plus strand). Cytogenetic location: 22q13.2.
Variant type: single nucleotide variant.
Coding change: c.*6178C>G on transcript NM_022098.4 (MANE Select); 6178 bases downstream of the stop codon, C replaced by G.
Molecular consequence: 3 prime UTR variant.
Genome position (GRCh38, 1-based): chr22:40,932,613, C>G. VCF-style: chr22-40932613-C-G. GRCh37 (hg19) VCF-style: chr22-41328617-C-G.
Identifiers: ClinVar variation 341762 (VCV000341762.5), dbSNP rs193116004, ClinGen allele CA10651378.